The following is an entry in ClinVar:

ClinVar aggregate classification (germline): Conflicting classifications of pathogenicity. Review status: criteria provided, conflicting classifications (1 of 4 stars). 5 submissions from 5 submitters: Uncertain significance (3); Likely benign (2). Last evaluated 2025-12-21.

Conditions:
Malignant hyperthermia, susceptibility to, 5 (MHS5). Also called: CACNA1S-Related Malignant Hyperthermia Susceptibility. Identifiers: Orphanet 423, MedGen C1866077, MONDO:0011163, OMIM 601887.
Hypokalemic periodic paralysis, type 1. Also called: HypoPP; Hypokalemic Periodic Paralysis Type 1 (AD). Identifiers: Orphanet 681, MedGen C3714580, MONDO:0042979, OMIM 170400.
Thyrotoxic periodic paralysis, susceptibility to, 1 (TTPP1). Identifiers: Orphanet 79102, MedGen C2749982, MONDO:0008570, OMIM 188580.
Congenital myopathy 18. Also called: Myopathy, congenital, due to dihydropyridine receptor defect; DIHYDROPYRIDINE RECEPTOR CONGENITAL MYOPATHY; DHPR CONGENITAL MYOPATHY. Identifiers: MedGen C5830283, MONDO:0859514, OMIM 620246.

Allele frequency attached by ClinVar (database versions not stated): ExAC below 0.00001; gnomAD 0.00003; gnomAD exomes 0.00003 and 0.00017; TOPMed 0.00018.

Submissions (5):

Labcorp Genetics (formerly Invitae), Labcorp
Classification: Likely benign for Hypokalemic periodic paralysis, type 1; Malignant hyperthermia, susceptibility to, 5. Last evaluated: 2025-12-21. Review status: criteria provided, single submitter. Criteria: Invitae Variant Classification Sherloc (09022015). Collection method: clinical testing. Allele origin: germline.

Fulgent Genetics
Classification: Uncertain significance for Hypokalemic periodic paralysis, type 1; Thyrotoxic periodic paralysis, susceptibility to, 1; Malignant hyperthermia, susceptibility to, 5; Congenital myopathy 18. Last evaluated: 2024-05-13. Review status: criteria provided, single submitter. Criteria: ACMG Guidelines, 2015. Collection method: clinical testing. Allele origin: germline.

Color Diagnostics, LLC DBA Color Health
Classification: Likely benign for Malignant hyperthermia, susceptibility to, 5. Last evaluated: 2024-01-29. Review status: criteria provided, single submitter. Criteria: ACMG Guidelines, 2015. Collection method: clinical testing. Allele origin: germline.

GeneDx
Classification: Uncertain significance. Last evaluated: 2023-04-20. Review status: criteria provided, single submitter. Criteria: GeneDx Variant Classification Process June 2021. Collection method: clinical testing. Allele origin: germline. Affected: yes.
Comment: Reported in family with malignant hyperthermia susceptibiilty; however, variant did not co-segregate with condition in family (Tammaro et al., 2011); In silico analysis supports that this missense variant has a deleterious effect on protein structure/function; This variant is associated with the following publications: (PMID: 31851124, 20681998)

Mayo Clinic Laboratories, Mayo Clinic
Classification: Uncertain significance. Last evaluated: 2020-12-02. Review status: criteria provided, single submitter. Criteria: ACMG Guidelines, 2015. Collection method: clinical testing. Allele origin: germline. Observed: 1 variant allele.

NM_000069.3(CACNA1S):c.2381G>A (p.Arg794His)

Gene: CACNA1S (calcium voltage-gated channel subunit alpha1 S; minus strand). Cytogenetic location: 1q32.1.
Variant type: single nucleotide variant.
Coding change: c.2381G>A on transcript NM_000069.3 (MANE Select); coding-DNA position 2381, G replaced by A.
Protein change: p.Arg794His; replaces arginine 794 with histidine.
Molecular consequence: missense variant.
Genome position (GRCh38, 1-based): chr1:201,069,581, C>T on the plus strand (G>A on the coding strand, the complement: CACNA1S is on the minus strand). VCF-style: chr1-201069581-C-T. GRCh37 (hg19) VCF-style: chr1-201038709-C-T.
Other names: short protein forms R794H.
Identifiers: ClinVar variation 452623 (VCV000452623.19), dbSNP rs760674518, ClinGen allele CA078972.